The following is an entry in ClinVar:

NM_181882.3(PRX):c.2372_2392del (p.Gln791_Gly798delinsArg)

Gene: PRX (periaxin; minus strand). Cytogenetic location: 19q13.2.
Variant type: Deletion.
Coding change: c.2372_2392del on transcript NM_181882.3 (MANE Select); coding-DNA positions 2372 to 2392, 21 bases deleted (AGGCAGAAGGGATGGAATTTG).
Protein change: p.Gln791_Gly798delinsArg.
Molecular consequence: inframe indel. On other transcripts: 3 prime UTR variant (1).
Genome position (GRCh38, 1-based): chr19:40,395,960-40,395,980, CAAATTCCATCCCTTCTGCCT deleted on the plus strand (AGGCAGAAGGGATGGAATTTG on the coding strand, the reverse complement: PRX is on the minus strand). VCF-style (leftmost placement, unchanged base first): chr19-40395959-CCAAATTCCATCCCTTCTGCCT-C. GRCh37 (hg19) VCF-style: chr19-40901866-CCAAATTCCATCCCTTCTGCCT-C.
Other names: c.2657_2677del21, p.Gln886_Gly893delinsArg (NM_001411127.1); c.*2577_*2597del (NM_020956.2).
Identifiers: ClinVar variation 2152738 (VCV002152738.4), dbSNP rs773252236, ClinGen allele CA9444062.

ClinVar aggregate classification (germline): Uncertain significance (1 of 4 stars; one submission).

Conditions:
Charcot-Marie-Tooth disease type 4. Also called: Charcot-Marie-Tooth disease, type IV; Charcot-Marie-Tooth, Type 4. Identifiers: Orphanet 64749, MedGen C4082197, MONDO:0018995.

Allele frequency attached by ClinVar (database versions not stated): TOPMed below 0.00001; ExAC 0.00001; gnomAD 0.00001; gnomAD exomes 0.00001.

Submission:

Labcorp Genetics (formerly Invitae), Labcorp
Classification: Uncertain significance for Charcot-Marie-Tooth disease type 4. Last evaluated: 2022-03-05. Review status: criteria provided, single submitter. Criteria: Invitae Variant Classification Sherloc (09022015). Collection method: clinical testing. Allele origin: germline.
Comment: In summary, the available evidence is currently insufficient to determine the role of this variant in disease. Therefore, it has been classified as a Variant of Uncertain Significance. Experimental studies and prediction algorithms are not available or were not evaluated, and the functional significance of this variant is currently unknown. This variant has not been reported in the literature in individuals affected with PRX-related conditions. The frequency data for this variant in the population databases is considered unreliable, as metrics indicate poor data quality at this position in the gnomAD database. This variant, c.2372_2392del, results in the deletion of 8 and insertion of 1 amino acid(s) of the PRX protein (p.Gln791_Gly798delinsArg), but otherwise preserves the integrity of the reading frame.